The following is an entry in ClinVar:

ClinVar aggregate classification (germline): Uncertain significance. Review status: criteria provided, multiple submitters, no conflicts (2 of 4 stars). 2 submissions from 2 submitters: Uncertain significance (2). Last evaluated 2025-08-01.

Allele frequency attached by ClinVar (database versions not stated): gnomAD 0.00001; ExAC 0.00002; TOPMed 0.00004.
gnomAD v4.1: 21 of 1,613,380 alleles (0.0013%); highest among the groups gnomAD compares: African/African-American, 0.0067%; no homozygotes.

Submissions (2):

Ambry Genetics
Classification: Uncertain significance. Last evaluated: 2025-08-01. Review status: criteria provided, single submitter. Criteria: Ambry Variant Classification Scheme 2023. Collection method: clinical testing. Allele origin: germline.

Labcorp Genetics (formerly Invitae), Labcorp
Classification: Uncertain significance. Last evaluated: 2025-03-26. Review status: criteria provided, single submitter. Criteria: Invitae Variant Classification Sherloc (09022015). Collection method: clinical testing. Allele origin: germline.
Comment: This sequence change replaces arginine, which is basic and polar, with cysteine, which is neutral and slightly polar, at codon 310 of the MMP13 protein (p.Arg310Cys). This variant is present in population databases (rs782628284, gnomAD 0.004%). This variant has not been reported in the literature in individuals affected with MMP13-related conditions. ClinVar contains an entry for this variant (Variation ID: 2183286). Invitae Evidence Modeling of protein sequence and biophysical properties (such as structural, functional, and spatial information, amino acid conservation, physicochemical variation, residue mobility, and thermodynamic stability) indicates that this missense variant is expected to disrupt MMP13 protein function with a positive predictive value of 80%. In summary, the available evidence is currently insufficient to determine the role of this variant in disease. Therefore, it has been classified as a Variant of Uncertain Significance.

NM_002427.4(MMP13):c.928C>T (p.Arg310Cys)

Gene: MMP13 (matrix metallopeptidase 13; minus strand). Cytogenetic location: 11q22.2.
Variant type: single nucleotide variant.
Coding change: c.928C>T on transcript NM_002427.4 (MANE Select); coding-DNA position 928, C replaced by T.
Protein change: p.Arg310Cys; replaces arginine 310 with cysteine.
Molecular consequence: missense variant.
Genome position (GRCh38, 1-based): chr11:102,949,148, G>A on the plus strand (C>T on the coding strand, the complement: MMP13 is on the minus strand). VCF-style: chr11-102949148-G-A. GRCh37 (hg19) VCF-style: chr11-102819877-G-A.
Other names: c.928C>T (NM_002427.3); short protein forms R310C.
Identifiers: ClinVar variation 2183286 (VCV002183286.6), dbSNP rs782628284, ClinGen allele CA6251834.
Genomic context (GRCh38, chr11:102,949,148, plus strand): 5'-GTTCTGGCCAAAATGATTTCGTTAAAAACAGCTCCGCATCAACCTGCTGAGGATGCAGGC[G>A]CCAGAAGAATCTAACACAAAAGTAAAATGGAGTTTTCTGTCACATTTTTAAATGCAATAT-3'
Protein context (NP_002418.1, residues 300-320): TMIFKDRFFW[Arg310Cys]LHPQQVDAEL